The following is an entry in ClinVar:

ClinVar aggregate classification (germline): Uncertain significance (1 of 4 stars; one submission).

Submission:

GeneDx
Classification: Uncertain significance. Last evaluated: 2024-01-25. Review status: criteria provided, single submitter. Criteria: GeneDx Variant Classification Process June 2021. Collection method: clinical testing. Allele origin: germline. Affected: yes.
Comment: Not observed at significant frequency in large population cohorts (gnomAD); In silico analysis supports that this missense variant does not alter protein structure/function; Has not been previously published as pathogenic or benign to our knowledge; This variant is associated with the following publications: (PMID: 25512093, 25609763, 26100331)

NM_001376.5(DYNC1H1):c.12547C>A (p.Leu4183Met)

Gene: DYNC1H1 (dynein cytoplasmic 1 heavy chain 1; plus strand). Cytogenetic location: 14q32.31.
Variant type: single nucleotide variant.
Coding change: c.12547C>A on transcript NM_001376.5 (MANE Select); coding-DNA position 12547, C replaced by A.
Protein change: p.Leu4183Met; replaces leucine 4183 with methionine.
Molecular consequence: missense variant.
Genome position (GRCh38, 1-based): chr14:102,043,908, C>A. VCF-style: chr14-102043908-C-A. GRCh37 (hg19) VCF-style: chr14-102510245-C-A.
Other names: short protein forms L4183M.
Identifiers: ClinVar variation 3368218 (VCV003368218.1).
Genomic context (GRCh38, chr14:102,043,908, plus strand): 5'-TCTGTGCTTGGTCACTTTCCTCACCAGTCTCCCAACGAGCGTGCCCGCTTGTACTTCCTG[C>A]TGGCCTGGTTTCATGCGATCATCCAAGAACGCTTACGATACGCACCACTGGGGTGGTCAA-3'
Protein context (NP_001367.2, residues 4173-4193): PNERARLYFL[Leu4183Met]AWFHAIIQER